The following is an entry in ClinVar:

ClinVar aggregate classification (germline): Uncertain significance (1 of 4 stars; one submission).

Conditions:
Glycine encephalopathy. Also called: Non-ketotic hyperglycinemia; Nonketotic hyperglycinemia. Identifiers: Orphanet 407, MedGen C0751748, MONDO:0011612, HP:0008288.

Allele frequency attached by ClinVar (database versions not stated): TOPMed below 0.00001; gnomAD 0.00001; ESP Exome Variant Server 0.00008.
gnomAD v4.1: 1 of 1,613,752 alleles (0.000062%); highest among the groups gnomAD compares: African/African-American, 0.0013%; no homozygotes.

Submission:

Labcorp Genetics (formerly Invitae), Labcorp
Classification: Uncertain significance for Glycine encephalopathy. Last evaluated: 2022-07-14. Review status: criteria provided, single submitter. Criteria: Invitae Variant Classification Sherloc (09022015). Collection method: clinical testing. Allele origin: germline.
Comment: In summary, the available evidence is currently insufficient to determine the role of this variant in disease. Therefore, it has been classified as a Variant of Uncertain Significance. Algorithms developed to predict the effect of sequence changes on RNA splicing suggest that this variant may create or strengthen a splice site. Advanced modeling of protein sequence and biophysical properties (such as structural, functional, and spatial information, amino acid conservation, physicochemical variation, residue mobility, and thermodynamic stability) performed at Invitae indicates that this missense variant is not expected to disrupt GLDC protein function. This variant has not been reported in the literature in individuals affected with GLDC-related conditions. This variant is not present in population databases (gnomAD no frequency). This sequence change replaces cysteine, which is neutral and slightly polar, with serine, which is neutral and polar, at codon 184 of the GLDC protein (p.Cys184Ser).

NM_000170.3(GLDC):c.550T>A (p.Cys184Ser)

Gene: GLDC (glycine decarboxylase; minus strand). Cytogenetic location: 9p24.1.
Variant type: single nucleotide variant.
Coding change: c.550T>A on transcript NM_000170.3 (MANE Select); coding-DNA position 550, T replaced by A.
Protein change: p.Cys184Ser; replaces cysteine 184 with serine.
Molecular consequence: missense variant.
Genome position (GRCh38, 1-based): chr9:6,610,277, A>T on the plus strand (T>A on the coding strand, the complement: GLDC is on the minus strand). VCF-style: chr9-6610277-A-T. GRCh37 (hg19) VCF-style: chr9-6610277-A-T.
Other names: short protein forms C184S.
Identifiers: ClinVar variation 2152771 (VCV002152771.4), dbSNP rs369031015, ClinGen allele CA188692679.
Genomic context (GRCh38, chr9:6,610,277, plus strand): 5'-CGGCTGCAGTCCCCTCATCCAGCAGGGATGCATTGGCCATGTCCAGGCCTGTGATGTCAC[A>T]CACCATGGTCTGGTAGTTGAGTAAACTCTCCAGCCTCCCCTGAGACACCTCAGGCTGGTA-3'
Protein context (NP_000161.2, residues 174-194): ESLLNYQTMV[Cys184Ser]DITGLDMANA